The following is an entry in ClinVar:

ClinVar aggregate classification (germline): Uncertain significance (1 of 4 stars; one submission).

Submission:

Labcorp Genetics (formerly Invitae), Labcorp
Classification: Uncertain significance. Last evaluated: 2024-05-14. Review status: criteria provided, single submitter. Criteria: Invitae Variant Classification Sherloc (09022015). Collection method: clinical testing. Allele origin: germline.
Comment: This sequence change replaces aspartic acid, which is acidic and polar, with valine, which is neutral and non-polar, at codon 1211 of the POLE protein (p.Asp1211Val). This variant is not present in population databases (gnomAD no frequency). This variant has not been reported in the literature in individuals affected with POLE-related conditions. Advanced modeling of protein sequence and biophysical properties (such as structural, functional, and spatial information, amino acid conservation, physicochemical variation, residue mobility, and thermodynamic stability) performed at Invitae indicates that this missense variant is expected to disrupt POLE protein function with a positive predictive value of 80%. In summary, the available evidence is currently insufficient to determine the role of this variant in disease. Therefore, it has been classified as a Variant of Uncertain Significance.

NM_006231.4(POLE):c.3632A>T (p.Asp1211Val)

Gene: POLE (DNA polymerase epsilon, catalytic subunit; minus strand). Cytogenetic location: 12q24.33.
Variant type: single nucleotide variant.
Coding change: c.3632A>T on transcript NM_006231.4 (MANE Select); coding-DNA position 3632, A replaced by T.
Protein change: p.Asp1211Val; replaces aspartic acid 1211 with valine.
Molecular consequence: missense variant.
Genome position (GRCh38, 1-based): chr12:132,649,840, T>A on the plus strand (A>T on the coding strand, the complement: POLE is on the minus strand). VCF-style: chr12-132649840-T-A. GRCh37 (hg19) VCF-style: chr12-133226426-T-A.
Other names: short protein forms D1211V.
Identifiers: ClinVar variation 2897834 (VCV002897834.3), dbSNP rs1555224110, ClinGen allele CA387386905.